The following is an entry in ClinVar:

NM_000551.4(VHL):c.531A>G (p.Arg177=)

Genes: VHL (von Hippel-Lindau tumor suppressor; plus strand), LOC107303340 (3p25 von Hippel-Lindau tumor suppressor, E3 ubiquitin protein ligase Alu-mediated recombination region; plus strand). Cytogenetic location: 3p25.3.
Variant type: single nucleotide variant.
Coding change: c.531A>G on transcript NM_000551.4 (MANE Select); coding-DNA position 531, A replaced by G.
Protein change: p.Arg177=; no amino-acid change (arginine 177 retained).
Molecular consequence: synonymous variant. On other transcripts: 3 prime UTR variant (1).
Genome position (GRCh38, 1-based): chr3:10,149,854, A>G. VCF-style: chr3-10149854-A-G. GRCh37 (hg19) VCF-style: chr3-10191538-A-G.
Other names: c.*85A>G (NM_001354723.2); c.408A>G, p.Arg136= (NM_198156.3).
Identifiers: ClinVar variation 767235 (VCV000767235.18), dbSNP rs766088261, ClinGen allele CA041395.

ClinVar aggregate classification (germline): Benign/Likely benign. Review status: criteria provided, multiple submitters, no conflicts (2 of 4 stars). 4 submissions from 4 submitters: Benign (1); Likely benign (3). Last evaluated 2025-11-05.

Conditions:
Von Hippel-Lindau syndrome (VHLS). Also called: Von Hippel-Lindau; von Hippel–Lindau syndrome; VHL syndrome. Identifiers: Orphanet 892, MedGen C0019562, MONDO:0008667, OMIM 193300. Disease mechanism: loss of function.
Chuvash polycythemia. Also called: POLYCYTHEMIA, VHL-DEPENDENT. Identifiers: Orphanet 238557, MedGen C1837915, MONDO:0009892, OMIM 263400.
Hereditary cancer-predisposing syndrome. Also called: Neoplastic Syndromes, Hereditary; Hereditary neoplastic syndrome; Tumor predisposition; Hereditary Cancer Syndrome. Identifiers: Orphanet 140162, MedGen C0027672, MeSH D009386, MONDO:0015356.

Allele frequency attached by ClinVar (database versions not stated): TOPMed 0.00002; gnomAD 0.00005 and 0.00006.
gnomAD v4.1: 9 of 1,614,026 alleles (0.00056%); highest among the groups gnomAD compares: African/African-American, 0.008%; no homozygotes.

Submissions (4):

Labcorp Genetics (formerly Invitae), Labcorp
Classification: Likely benign for Von Hippel-Lindau syndrome; Chuvash polycythemia. Last evaluated: 2025-11-05. Review status: criteria provided, single submitter. Criteria: Invitae Variant Classification Sherloc (09022015). Collection method: clinical testing. Allele origin: germline.

Myriad Genetics, Inc.
Classification: Benign for Von Hippel-Lindau syndrome. Last evaluated: 2025-06-13. Review status: criteria provided, single submitter. Criteria: Myriad Autosomal Dominant, Autosomal Recessive and X-Linked Classification Criteria (2023). Collection method: clinical testing. Allele origin: unknown.
Comment: This variant is considered benign. This variant is a silent/synonymous amino acid change and it is not expected to impact splicing.

All of Us Research Program, National Institutes of Health
Classification: Likely benign for Von Hippel-Lindau syndrome. Last evaluated: 2024-07-10. Review status: criteria provided, single submitter. Criteria: ACMG Guidelines, 2015. Collection method: clinical testing. Allele origin: germline. Inheritance: Autosomal dominant inheritance. Observed: 2 variant alleles, 2 heterozygotes.
Comment: This study involves interpretation of variants in research participants for the purpose of population health screening. Participant phenotype was not available at the time of variant classification. Additional details can be found in publication PMID: 35346344, PMCID: PMC8962531

Ambry Genetics
Classification: Likely benign for Hereditary cancer-predisposing syndrome. Last evaluated: 2019-01-11. Review status: criteria provided, single submitter. Criteria: Ambry Variant Classification Scheme 2023. Collection method: clinical testing. Allele origin: germline.